The following is an entry in ClinVar:

NM_000303.3(PMM2):c.640-28C>G

Gene: PMM2 (phosphomannomutase 2; plus strand). Cytogenetic location: 16p13.2.
Variant type: single nucleotide variant.
Coding change: c.640-28C>G on transcript NM_000303.3 (MANE Select); 28 bases into the intron before coding-DNA position 640, C replaced by G.
Molecular consequence: intron variant.
Genome position (GRCh38, 1-based): chr16:8,847,696, C>G. VCF-style: chr16-8847696-C-G. GRCh37 (hg19) VCF-style: chr16-8941553-C-G.
Other names: p.?; c.640-28C>G (NM_000303.2).
Identifiers: ClinVar variation 1194309 (VCV001194309.7), dbSNP rs181837170, ClinGen allele CA7894178.

ClinVar aggregate classification (germline): Likely benign. Review status: criteria provided, multiple submitters, no conflicts (2 of 4 stars). 5 submissions from 5 submitters: Likely benign (3). 2 of the submissions do not count toward it. Last evaluated 2025-03-18.

Conditions:
PMM2-congenital disorder of glycosylation. Also called: PMM2-CDG; JAEKEN SYNDROME; PHOSPHOMANNOMUTASE 2 DEFICIENCY; CARBOHYDRATE-DEFICIENT GLYCOPROTEIN SYNDROME, TYPE Ia; CDG Ia; Congenital disorder of glycosylation, type Ia. Identifiers: Orphanet 79318, MedGen C0349653, MONDO:0008907, OMIM 212065.
PMM2-related disorder. Also called: PMM2-related condition.

Allele frequency attached by ClinVar (database versions not stated): 1000 Genomes Project 0.00439; 1000 Genomes Project 30x 0.00453; ESP Exome Variant Server 0.00508.
gnomAD v4.1: 1,229 of 1,534,068 alleles (0.08%); highest among the groups gnomAD compares: African/African-American, 1.4%; 10 homozygotes.

Submissions (5):

Mayo Clinic Laboratories, Mayo Clinic
Classification: Likely benign. Last evaluated: 2025-03-18. Review status: criteria provided, single submitter. Criteria: ACMG Guidelines, 2015. Collection method: clinical testing. Allele origin: germline. Observed: 1 variant allele.
Comment: BS1, BP4, BP7

Blueprint Genetics
Classification: Likely benign. Last evaluated: 2024-10-16. Review status: criteria provided, single submitter. Criteria: ACMG Guidelines, 2015. Collection method: clinical testing. Allele origin: germline.

GeneDx
Classification: Likely benign. Last evaluated: 2020-11-24. Review status: criteria provided, single submitter. Criteria: GeneDx Variant Classification Process June 2021. Collection method: clinical testing. Allele origin: germline. Affected: yes.

Natera, Inc.
Classification: Benign for Congenital disorder of glycosylation type 1a. Last evaluated: 2019-10-21. Review status: no assertion criteria provided. Collection method: clinical testing. Allele origin: germline. Not counted in ClinVar's aggregate classification.

PreventionGenetics, part of Exact Sciences
Classification: Benign for PMM2-related condition. Last evaluated: 2019-03-21. Review status: no assertion criteria provided. Collection method: clinical testing. Allele origin: germline. Not counted in ClinVar's aggregate classification.
Comment: This variant is classified as benign based on ACMG/AMP sequence variant interpretation guidelines (Richards et al. 2015 PMID: 25741868, with internal and published modifications).